The following is an entry in ClinVar:

NM_006949.4(STXBP2):c.403C>T (p.Leu135Phe)

Gene: STXBP2 (syntaxin binding protein 2; plus strand). Cytogenetic location: 19p13.2.
Variant type: single nucleotide variant.
Coding change: c.403C>T on transcript NM_006949.4 (MANE Select); coding-DNA position 403, C replaced by T.
Protein change: p.Leu135Phe; replaces leucine 135 with phenylalanine.
Molecular consequence: missense variant. On other transcripts: non-coding transcript variant (1).
Genome position (GRCh38, 1-based): chr19:7,640,977, C>T. VCF-style: chr19-7640977-C-T. GRCh37 (hg19) VCF-style: chr19-7705863-C-T.
Other names: c.394C>T, p.Leu132Phe (NM_001127396.3); c.436C>T, p.Leu146Phe (NM_001272034.2); short protein forms L135F, L132F, L146F.
Identifiers: ClinVar variation 651238 (VCV000651238.6), dbSNP rs766694710, ClinGen allele CA9143613.
Genomic context (GRCh38, chr19:7,640,977, plus strand): 5'-TTCAGTGAGCTAGGCCGCTCTCGTCTGGCAAAGGTGGTGAAGACGTTGAAGGAGATTCAC[C>T]TTGCCTTCCTCCCCTACGAGGCCCAGGTACGGCCCGGGCTCATCCTGGGCAGGGGGTGGG-3'
Protein context (NP_008880.2, residues 125-145): KVVKTLKEIH[Leu135Phe]AFLPYEAQVF

ClinVar aggregate classification (germline): Uncertain significance (1 of 4 stars; one submission).

Conditions:
Familial hemophagocytic lymphohistiocytosis 5. Also called: STXBP2-Related Familial Hemophagocytic Lymphohistiocytosis (STXBP2-fHLH). Identifiers: Orphanet 540, MedGen C2751293, MONDO:0013135, OMIM 613101.

Allele frequency attached by ClinVar (database versions not stated): ExAC 0.00001; gnomAD exomes 0.00001.
gnomAD v4.1: 13 of 1,614,174 alleles (0.00081%); highest among the groups gnomAD compares: Middle Eastern, 0.016%; no homozygotes.

Submission:

Labcorp Genetics (formerly Invitae), Labcorp
Classification: Uncertain significance for Familial hemophagocytic lymphohistiocytosis 5. Last evaluated: 2021-08-26. Review status: criteria provided, single submitter. Criteria: Invitae Variant Classification Sherloc (09022015). Collection method: clinical testing. Allele origin: germline.
Comment: This sequence change replaces leucine with phenylalanine at codon 135 of the STXBP2 protein (p.Leu135Phe). The leucine residue is moderately conserved and there is a small physicochemical difference between leucine and phenylalanine. This variant is present in population databases (rs766694710, ExAC 0.002%). This variant has not been reported in the literature in individuals affected with STXBP2-related conditions. Algorithms developed to predict the effect of missense changes on protein structure and function are either unavailable or do not agree on the potential impact of this missense change (SIFT: "Deleterious"; PolyPhen-2: "Possibly Damaging"; Align-GVGD: "Class C0"). In summary, the available evidence is currently insufficient to determine the role of this variant in disease. Therefore, it has been classified as a Variant of Uncertain Significance.